The following is an entry in ClinVar:

NM_030777.4(SLC2A10):c.505G>A (p.Gly169Ser)

Gene: SLC2A10 (solute carrier family 2 member 10; plus strand). Cytogenetic location: 20q13.12.
Variant type: single nucleotide variant.
Coding change: c.505G>A on transcript NM_030777.4 (MANE Select); coding-DNA position 505, G replaced by A.
Protein change: p.Gly169Ser; replaces glycine 169 with serine.
Molecular consequence: missense variant.
Genome position (GRCh38, 1-based): chr20:46,725,541, G>A. VCF-style: chr20-46725541-G-A. GRCh37 (hg19) VCF-style: chr20-45354180-G-A.
Other names: short protein forms G169S.
Identifiers: ClinVar variation 467816 (VCV000467816.51), dbSNP rs35151194, ClinGen allele CA9891989.

ClinVar aggregate classification (germline): Uncertain significance. Review status: criteria provided, multiple submitters, no conflicts (2 of 4 stars). 4 submissions from 4 submitters: Uncertain significance (4). Last evaluated 2025-09-05.

Conditions:
Familial thoracic aortic aneurysm and aortic dissection (TAAD). Also called: Thoracic aortic aneurysms and dissections. Identifiers: Orphanet 91387, MedGen C4707243, MONDO:0019625.
Arterial tortuosity syndrome (ATORS). Identifiers: Orphanet 3342, MedGen C1859726, MONDO:0008818, OMIM 208050.

Allele frequency attached by ClinVar (database versions not stated): gnomAD 0.00001; TOPMed 0.00003; gnomAD exomes 0.00004; ExAC 0.00006.

Submissions (4):

Ambry Genetics
Classification: Uncertain significance for Familial thoracic aortic aneurysm and aortic dissection. Last evaluated: 2025-09-05. Review status: criteria provided, single submitter. Criteria: Ambry Variant Classification Scheme 2023. Collection method: clinical testing. Allele origin: germline.
Comment: The p.G169S variant (also known as c.505G>A), located in coding exon 2 of the SLC2A10 gene, results from a G to A substitution at nucleotide position 505. The glycine at codon 169 is replaced by serine, an amino acid with similar properties. This amino acid position is highly conserved in available vertebrate species. In addition, the in silico prediction for this alteration is inconclusive. Based on the available evidence, the clinical significance of this variant remains unclear.

Blueprint Genetics
Classification: Uncertain significance. Last evaluated: 2024-09-25. Review status: criteria provided, single submitter. Criteria: ACMG Guidelines, 2015. Collection method: clinical testing. Allele origin: germline.

Labcorp Genetics (formerly Invitae), Labcorp
Classification: Uncertain significance for Arterial tortuosity syndrome. Last evaluated: 2022-09-06. Review status: criteria provided, single submitter. Criteria: Invitae Variant Classification Sherloc (09022015). Collection method: clinical testing. Allele origin: germline.
Comment: In summary, the available evidence is currently insufficient to determine the role of this variant in disease. Therefore, it has been classified as a Variant of Uncertain Significance. Advanced modeling of protein sequence and biophysical properties (such as structural, functional, and spatial information, amino acid conservation, physicochemical variation, residue mobility, and thermodynamic stability) performed at Invitae indicates that this missense variant is expected to disrupt SLC2A10 protein function. ClinVar contains an entry for this variant (Variation ID: 467816). This variant has not been reported in the literature in individuals affected with SLC2A10-related conditions. This variant is present in population databases (rs35151194, gnomAD 0.03%). This sequence change replaces glycine, which is neutral and non-polar, with serine, which is neutral and polar, at codon 169 of the SLC2A10 protein (p.Gly169Ser).

CeGaT Center for Human Genetics Tuebingen
Classification: Uncertain significance. Last evaluated: 2017-08-01. Review status: criteria provided, single submitter. Criteria: CeGaT Center For Human Genetics Tuebingen Variant Classification Criteria Version 2. Collection method: clinical testing. Allele origin: germline. Affected: yes. Observed: 1 variant allele.